The following is an entry in ClinVar:

NM_002755.4(MAP2K1):c.80+2T>C

Gene: MAP2K1 (mitogen-activated protein kinase kinase 1; plus strand). Cytogenetic location: 15q22.31.
Variant type: single nucleotide variant.
Coding change: c.80+2T>C on transcript NM_002755.4 (MANE Select); the canonical splice donor site of the intron after coding-DNA position 80, T replaced by C.
Molecular consequence: splice donor variant.
Genome position (GRCh38, 1-based): chr15:66,387,429, T>C. VCF-style: chr15-66387429-T-C. GRCh37 (hg19) VCF-style: chr15-66679767-T-C.
Identifiers: ClinVar variation 2709627 (VCV002709627.3), dbSNP rs2140511778, ClinGen allele CA392931763.
Genomic context (GRCh38, chr15:66,387,429, plus strand): 5'-CCCATCCAGCTGAACCCGGCCCCCGACGGCTCTGCAGTTAACGGGACCAGCTCTGCGGAG[T>C]AAGTATGGGGCGGGCGGTGAACCTCGGGGCCCGGCTGGGGAGGCCCGAGCCGGGGAGCAG-3'

ClinVar aggregate classification (germline): Uncertain significance (1 of 4 stars; one submission).

Conditions:
RASopathy. Also called: rasopathies; Noonan spectrum disorder. Identifiers: Orphanet 536391, MedGen C5555857, MONDO:0021060.

Submission:

Labcorp Genetics (formerly Invitae), Labcorp
Classification: Uncertain significance for RASopathy. Last evaluated: 2024-01-16. Review status: criteria provided, single submitter. Criteria: Invitae Variant Classification Sherloc (09022015). Collection method: clinical testing. Allele origin: germline.
Comment: This sequence change affects a donor splice site in intron 1 of the MAP2K1 gene. It is expected to disrupt RNA splicing. Variants that disrupt the donor or acceptor splice site typically lead to a loss of protein function (PMID: 16199547), however the current clinical and genetic evidence is not sufficient to establish whether loss-of-function variants in MAP2K1 cause disease. This variant is not present in population databases (gnomAD no frequency). This variant has not been reported in the literature in individuals affected with MAP2K1-related conditions. Algorithms developed to predict the effect of sequence changes on RNA splicing suggest that this variant may disrupt the consensus splice site. In summary, the available evidence is currently insufficient to determine the role of this variant in disease. Therefore, it has been classified as a Variant of Uncertain Significance.

Literature cited by the submitters: PubMed 16199547.